The following is an entry in ClinVar:

NM_000465.4(BARD1):c.265C>A (p.Pro89Thr)

Gene: BARD1 (BRCA1 associated RING domain 1; minus strand). Cytogenetic location: 2q35.
Variant type: single nucleotide variant.
Coding change: c.265C>A on transcript NM_000465.4 (MANE Select); coding-DNA position 265, C replaced by A.
Protein change: p.Pro89Thr; replaces proline 89 with threonine.
Molecular consequence: missense variant. On other transcripts: non-coding transcript variant (1), intron variant (2).
Genome position (GRCh38, 1-based): chr2:214,792,396, G>T on the plus strand (C>A on the coding strand, the complement: BARD1 is on the minus strand). VCF-style: chr2-214792396-G-T. GRCh37 (hg19) VCF-style: chr2-215657120-G-T.
Other names: c.208C>A, p.Pro70Thr (NM_001282543.2); c.265C>A, p.Pro89Thr (NM_001282549.2); c.158+17016C>A (NM_001282548.2); c.215+4665C>A (NM_001282545.2); short protein forms P89T, P70T.
Identifiers: ClinVar variation 3572096 (VCV003572096.1).

ClinVar aggregate classification (germline): Uncertain significance (1 of 4 stars; one submission).

Submission:

Quest Diagnostics Nichols Institute San Juan Capistrano
Classification: Uncertain significance. Last evaluated: 2024-10-30. Review status: criteria provided, single submitter. Criteria: Quest Diagnostics criteria. Collection method: clinical testing. Allele origin: unknown.
Comment: The BARD1 c.265C>A (p.Pro89Thr) variant has not been reported in individuals with BARD1-related conditions in the published literature. It also has not been reported in large, multi-ethnic general populations (Genome Aggregation Database). Analysis of this variant using bioinformatics tools for the prediction of the effect of amino acid changes on protein structure and function yielded conflicting predictions that this variant is benign or damaging. Based on the available information, we are unable to determine the clinical significance of this variant.